The following is an entry in ClinVar:

ClinVar aggregate classification (germline): Uncertain significance. Review status: criteria provided, multiple submitters, no conflicts (2 of 4 stars). 2 submissions from 2 submitters: Uncertain significance (2). Last evaluated 2025-10-18.

Conditions:
Inborn genetic diseases. Identifiers: MedGen C0950123, MeSH D030342.

Allele frequency attached by ClinVar (database versions not stated): ExAC 0.00002; gnomAD 0.00002; TOPMed 0.00002.
gnomAD v4.1: 34 of 1,613,752 alleles (0.0021%); highest among the groups gnomAD compares: African/African-American, 0.0053%; 1 homozygote.

Submissions (2):

Ambry Genetics
Classification: Uncertain significance for Inborn genetic diseases. Last evaluated: 2025-10-18. Review status: criteria provided, single submitter. Criteria: Ambry Variant Classification Scheme 2023. Collection method: clinical testing. Allele origin: germline.

Labcorp Genetics (formerly Invitae), Labcorp
Classification: Uncertain significance. Last evaluated: 2023-11-15. Review status: criteria provided, single submitter. Criteria: Invitae Variant Classification Sherloc (09022015). Collection method: clinical testing. Allele origin: germline.
Comment: This sequence change replaces arginine, which is basic and polar, with histidine, which is basic and polar, at codon 231 of the CIT protein (p.Arg231His). This variant is present in population databases (rs765352405, gnomAD 0.003%). This variant has not been reported in the literature in individuals affected with CIT-related conditions. An algorithm developed to predict the effect of missense changes on protein structure and function (PolyPhen-2) suggests that this variant is likely to be disruptive. In summary, the available evidence is currently insufficient to determine the role of this variant in disease. Therefore, it has been classified as a Variant of Uncertain Significance.

NM_001206999.2(CIT):c.692G>A (p.Arg231His)

Gene: CIT (citron rho-interacting serine/threonine kinase; minus strand). Cytogenetic location: 12q24.23.
Variant type: single nucleotide variant.
Coding change: c.692G>A on transcript NM_001206999.2 (MANE Select); coding-DNA position 692, G replaced by A.
Protein change: p.Arg231His; replaces arginine 231 with histidine.
Molecular consequence: missense variant.
Genome position (GRCh38, 1-based): chr12:119,832,832, C>T on the plus strand (G>A on the coding strand, the complement: CIT is on the minus strand). VCF-style: chr12-119832832-C-T. GRCh37 (hg19) VCF-style: chr12-120270636-C-T.
Other names: c.692G>A, p.Arg231His (NM_007174.3); c.692G>A (NM_001206999.1); short protein forms R231H.
Identifiers: ClinVar variation 2752409 (VCV002752409.4), dbSNP rs765352405, ClinGen allele CA6822321.